The following is an entry in ClinVar:

NC_000016.10:g.67660399C>T

Genes: ACD (ACD shelterin complex subunit and telomerase recruitment factor; minus strand), LOC130059224 (ATAC-STARR-seq lymphoblastoid silent region 7617; plus strand). Cytogenetic location: 16q22.1.
Variant type: single nucleotide variant.
Genome position: GRCh38 VCF-style: chr16-67660399-C-T. GRCh37 (hg19) VCF-style: chr16-67694302-C-T.
Other names: short protein forms G27E.
Identifiers: ClinVar variation 1061600 (VCV001061600.12), dbSNP rs778255016, ClinGen allele CA8114928.

ClinVar aggregate classification (germline): Uncertain significance. Review status: criteria provided, multiple submitters, no conflicts (2 of 4 stars). 3 submissions from 3 submitters: Uncertain significance (2). 1 of the submissions does not count toward it. Last evaluated 2025-01-08.

Conditions:
Inborn genetic diseases. Identifiers: MedGen C0950123, MeSH D030342.
ACD-related disorder. Also called: ACD-related condition.
Dyskeratosis congenita, autosomal dominant 6 (DKCA6). Identifiers: Orphanet 3322, MedGen C4225284, MONDO:0014690, OMIM 616553.

Allele frequency attached by ClinVar (database versions not stated): gnomAD exomes 0.00002; gnomAD 0.00004 and 0.00005; ExAC 0.00001; TOPMed 0.00004.

Submissions (3):

Labcorp Genetics (formerly Invitae), Labcorp
Classification: Uncertain significance for Dyskeratosis congenita, autosomal dominant 6. Last evaluated: 2025-01-08. Review status: criteria provided, single submitter. Criteria: Invitae Variant Classification Sherloc (09022015). Collection method: clinical testing. Allele origin: germline.
Comment: This sequence change replaces glycine, which is neutral and non-polar, with glutamic acid, which is acidic and polar, at codon 27 of the ACD protein (p.Gly27Glu). This variant is present in population databases (rs778255016, gnomAD 0.005%). This variant has not been reported in the literature in individuals affected with ACD-related conditions. ClinVar contains an entry for this variant (Variation ID: 1061600). An algorithm developed to predict the effect of missense changes on protein structure and function (PolyPhen-2) suggests that this variant is likely to be tolerated. In summary, the available evidence is currently insufficient to determine the role of this variant in disease. Therefore, it has been classified as a Variant of Uncertain Significance.

Ambry Genetics
Classification: Uncertain significance for Inborn genetic diseases. Last evaluated: 2021-09-08. Review status: criteria provided, single submitter. Criteria: Ambry Variant Classification Scheme 2023. Collection method: clinical testing. Allele origin: germline.
Comment: The p.G27E variant (also known as c.80G>A), located in coding exon 1 of the ACD gene, results from a G to A substitution at nucleotide position 80. The glycine at codon 27 is replaced by glutamic acid, an amino acid with similar properties. This amino acid position is conserved. In addition, this alteration is predicted to be tolerated by in silico analysis. Since supporting evidence is limited at this time, the clinical significance of this alteration remains unclear.

PreventionGenetics, part of Exact Sciences
Classification: Uncertain significance for ACD-related condition. Last evaluated: 2023-10-27. Review status: no assertion criteria provided. Collection method: clinical testing. Allele origin: germline. Not counted in ClinVar's aggregate classification.
Comment: The ACD c.80G>A variant is predicted to result in the amino acid substitution p.Gly27Glu. To our knowledge, this variant has not been reported in the literature. This variant is reported in 0.0052% of alleles in individuals of East Asian descent in gnomAD. At this time, the clinical significance of this variant is uncertain due to the absence of conclusive functional and genetic evidence.